The following is an entry in ClinVar:

ClinVar aggregate classification (germline): Uncertain significance. Review status: criteria provided, multiple submitters, no conflicts (2 of 4 stars). 2 submissions from 2 submitters: Uncertain significance (2). Last evaluated 2025-06-18.

Conditions:
MYO6-related disorder. Also called: MYO6-related condition; MYO6-related disorders.

Allele frequency attached by ClinVar (database versions not stated): gnomAD exomes 0.00001; TOPMed 0.00001.
gnomAD v4.1: 8 of 1,612,642 alleles (0.0005%); highest among the groups gnomAD compares: Admixed American, 0.0017%; no homozygotes.

Submissions (2):

PreventionGenetics, part of Exact Sciences
Classification: Uncertain significance for MYO6-related condition. Last evaluated: 2025-06-18. Review status: criteria provided, single submitter. Criteria: ACMG Guidelines, 2015. Collection method: clinical testing. Allele origin: germline.
Comment: The MYO6 c.2474G>A variant is predicted to result in the amino acid substitution p.Arg825Gln. To our knowledge, this variant has not been reported in the literature. This variant is reported in 0.0029% of alleles in individuals of Latino descent in gnomAD. At this time, the clinical significance of this variant is uncertain due to the absence of conclusive functional and genetic evidence.

GeneDx
Classification: Uncertain significance. Last evaluated: 2022-03-01. Review status: criteria provided, single submitter. Criteria: GeneDx Variant Classification Process June 2021. Collection method: clinical testing. Allele origin: germline. Affected: yes.
Comment: Not observed at significant frequency in large population cohorts (gnomAD); In silico analysis supports that this missense variant has a deleterious effect on protein structure/function; Has not been previously published as pathogenic or benign to our knowledge

NM_004999.4(MYO6):c.2474G>A (p.Arg825Gln)

Gene: MYO6 (myosin VI; plus strand). Cytogenetic location: 6q14.1.
Variant type: single nucleotide variant.
Coding change: c.2474G>A on transcript NM_004999.4 (MANE Select); coding-DNA position 2474, G replaced by A.
Protein change: p.Arg825Gln; replaces arginine 825 with glutamine.
Molecular consequence: missense variant. On other transcripts: non-coding transcript variant (1).
Genome position (GRCh38, 1-based): chr6:75,886,061, G>A. VCF-style: chr6-75886061-G-A. GRCh37 (hg19) VCF-style: chr6-76595778-G-A.
Other names: c.2474G>A, p.Arg825Gln (NM_001300899.2, NM_001368136.1, NM_001368137.1 and 2 more transcripts); c.2459G>A, p.Arg820Gln (NM_001368138.1); short protein forms R820Q, R825Q.
Identifiers: ClinVar variation 1704109 (VCV001704109.3), dbSNP rs1207187671, ClinGen allele CA364774878.